The following is an entry in ClinVar:

NM_001035.3(RYR2):c.3304T>G (p.Tyr1102Asp)

Gene: RYR2 (ryanodine receptor 2; plus strand). Cytogenetic location: 1q43.
Variant type: single nucleotide variant.
Coding change: c.3304T>G on transcript NM_001035.3 (MANE Select); coding-DNA position 3304, T replaced by G.
Protein change: p.Tyr1102Asp; replaces tyrosine 1102 with aspartic acid.
Molecular consequence: missense variant.
Genome position (GRCh38, 1-based): chr1:237,566,656, T>G. VCF-style: chr1-237566656-T-G. GRCh37 (hg19) VCF-style: chr1-237729956-T-G.
Other names: short protein forms Y1102D.
Identifiers: ClinVar variation 1326630 (VCV001326630.5), dbSNP rs2148252443, ClinGen allele CA345398253.

ClinVar aggregate classification (germline): Uncertain significance. Review status: criteria provided, multiple submitters, no conflicts (2 of 4 stars). 4 submissions from 4 submitters: Uncertain significance (4). Last evaluated 2025-07-13.

Conditions:
Cardiovascular phenotype. Identifiers: MedGen CN230736.
Catecholaminergic polymorphic ventricular tachycardia 1. Also called: VENTRICULAR TACHYCARDIA, CATECHOLAMINERGIC POLYMORPHIC, 1, WITH OR WITHOUT ATRIAL DYSFUNCTION AND/OR DILATED CARDIOMYOPATHY; VENTRICULAR TACHYCARDIA, STRESS-INDUCED POLYMORPHIC 1; RYR2-Related Catecholaminergic Polymorphic Ventricular Tachycardia. Identifiers: Orphanet 3286, MedGen C1631597, MONDO:0011484, OMIM 604772.
Arrhythmogenic right ventricular dysplasia 2. Identifiers: MedGen C1832931.
Ventricular arrhythmias due to cardiac ryanodine receptor calcium release deficiency syndrome. Also called: Autosomal dominant cardiac arrhythmia (Kuhn). Identifiers: MedGen C5542154, MONDO:0020745, OMIM 115000.

Submissions (4):

Labcorp Genetics (formerly Invitae), Labcorp
Classification: Uncertain significance for Catecholaminergic polymorphic ventricular tachycardia 1. Last evaluated: 2025-07-13. Review status: criteria provided, single submitter. Criteria: Invitae Variant Classification Sherloc (09022015). Collection method: clinical testing. Allele origin: germline.
Comment: This sequence change replaces tyrosine, which is neutral and polar, with aspartic acid, which is acidic and polar, at codon 1102 of the RYR2 protein (p.Tyr1102Asp). This variant is not present in population databases (gnomAD no frequency). This variant has not been reported in the literature in individuals affected with RYR2-related conditions. ClinVar contains an entry for this variant (Variation ID: 1326630). Invitae Evidence Modeling of protein sequence and biophysical properties (such as structural, functional, and spatial information, amino acid conservation, physicochemical variation, residue mobility, and thermodynamic stability) indicates that this missense variant is expected to disrupt RYR2 protein function with a positive predictive value of 95%. In summary, the available evidence is currently insufficient to determine the role of this variant in disease. Therefore, it has been classified as a Variant of Uncertain Significance.

Ambry Genetics
Classification: Uncertain significance for Cardiovascular phenotype. Last evaluated: 2024-01-02. Review status: criteria provided, single submitter. Criteria: Ambry Variant Classification Scheme 2023. Collection method: clinical testing. Allele origin: germline.
Comment: The p.Y1102D variant (also known as c.3304T>G), located in coding exon 28 of the RYR2 gene, results from a T to G substitution at nucleotide position 3304. The tyrosine at codon 1102 is replaced by aspartic acid, an amino acid with highly dissimilar properties. This amino acid position is highly conserved in available vertebrate species. In addition, this alteration is predicted to be deleterious by in silico analysis. Since supporting evidence is limited at this time, the clinical significance of this alteration remains unclear.

Fulgent Genetics
Classification: Uncertain significance for Ventricular arrhythmias due to cardiac ryanodine receptor calcium release deficiency syndrome; Catecholaminergic polymorphic ventricular tachycardia 1. Last evaluated: 2021-09-15. Review status: criteria provided, single submitter. Criteria: ACMG Guidelines, 2015. Collection method: clinical testing. Allele origin: unknown.

GeneDx
Classification: Uncertain significance. Last evaluated: 2021-05-28. Review status: criteria provided, single submitter. Criteria: GeneDx Variant Classification Process June 2021. Collection method: clinical testing. Allele origin: germline. Affected: yes.
Comment: Not observed at significant frequency in large population cohorts (Lek et al., 2016); In silico analysis supports that this missense variant has a deleterious effect on protein structure/function; Has not been previously published as pathogenic or benign to our knowledge; Not located in one of the three hot-spot regions of the RYR2 gene, where the majority of pathogenic missense variants occur (Medeiros-Domingo et al., 2009); This variant is associated with the following publications: (PMID: 27535533, 19926015)